The following is an entry in ClinVar:

ClinVar aggregate classification (germline): Likely benign (1 of 4 stars; one submission).

Conditions:
Leigh syndrome (NULS). Also called: Leigh's necrotizing encephalopathy; Leigh's disease; Leigh Syndrome (mtDNA deletion); Leigh Disease; Subacute necrotizing encephalopathy; Necrotizing encephalopathy infantile subacute of Leigh. Identifiers: Orphanet 506, MedGen C2931891, MONDO:0009723, OMIM 256000.

Submission:

Wong Mito Lab, Molecular and Human Genetics, Baylor College of Medicine
Classification: Likely benign for Leigh syndrome. Last evaluated: 2019-10-17. Review status: criteria provided, single submitter. Criteria: Modified ACMG Guidelines (Unpublished). Collection method: clinical testing. Allele origin: germline.
Comment: The NC_012920.1:m.10775G>A (YP_003024035.1:p.Val6Ile) variant in MTND4 gene is interpretated to be a Likely Benign variant based on the modified ACMG guidelines (unpublished). This variant meets the following evidence codes: BS1, BP4

NC_012920.1(MT-ND4):m.10775G>A

Gene: MT-ND4 (mitochondrially encoded NADH dehydrogenase 4; plus strand).
Variant type: single nucleotide variant.
Genome position: chrM-10775-G-A.
Identifiers: ClinVar variation 693315 (VCV000693315.1), dbSNP rs879015842, ClinGen allele CA337099012.
Genomic context (GRCh38, chrMT:10,775, plus strand): 5'-CAACACATATGGCCTAGACTACGTACATAACCTAAACCTACTCCAATGCTAAAACTAATC[G>A]TCCCAACAATTATATTACTACCACTGACATGACTTTCCAAAAAACACATAATTTGAATCA-3'